The following is an entry in ClinVar:

NM_003070.5(SMARCA2):c.2192G>A (p.Gly731Asp)

Gene: SMARCA2 (SWI/SNF related BAF chromatin remodeling complex subunit ATPase 2; plus strand). Cytogenetic location: 9p24.3.
Variant type: single nucleotide variant.
Coding change: c.2192G>A on transcript NM_003070.5 (MANE Select); coding-DNA position 2192, G replaced by A.
Protein change: p.Gly731Asp; replaces glycine 731 with aspartic acid.
Molecular consequence: missense variant.
Genome position (GRCh38, 1-based): chr9:2,081,839, G>A. VCF-style: chr9-2081839-G-A. GRCh37 (hg19) VCF-style: chr9-2081839-G-A.
Other names: c.2192G>A, p.Gly731Asp (NM_001289396.2, NM_001289397.2, NM_139045.4); short protein forms G731D.
Identifiers: ClinVar variation 4532419 (VCV004532419.1).

ClinVar aggregate classification (germline): Uncertain significance (1 of 4 stars; one submission).

Submission:

GeneDx
Classification: Uncertain significance. Last evaluated: 2025-05-25. Review status: criteria provided, single submitter. Criteria: GeneDx Variant Classification Process June 2021. Collection method: clinical testing. Allele origin: germline. Affected: yes.
Comment: Not observed at significant frequency in large population cohorts (gnomAD); In silico analysis supports that this missense variant has a deleterious effect on protein structure/function; Has not been previously published as pathogenic or benign to our knowledge